The following is an entry in ClinVar:

NM_144670.6(A2ML1):c.2463+13G>C

Gene: A2ML1 (alpha-2-macroglobulin like 1; plus strand). Cytogenetic location: 12p13.31.
Variant type: single nucleotide variant.
Coding change: c.2463+13G>C on transcript NM_144670.6 (MANE Select); 13 bases into the intron after coding-DNA position 2463, G replaced by C.
Molecular consequence: intron variant.
Genome position (GRCh38, 1-based): chr12:8,852,025, G>C. VCF-style: chr12-8852025-G-C. GRCh37 (hg19) VCF-style: chr12-9004621-G-C.
Other names: c.990+13G>C (NM_001282424.3).
Identifiers: ClinVar variation 928816 (VCV000928816.10), dbSNP rs151032368, ClinGen allele CA6436016.

ClinVar aggregate classification (germline): Benign. Review status: criteria provided, multiple submitters, no conflicts (2 of 4 stars). 3 submissions from 3 submitters: Benign (3). Last evaluated 2026-01-19.

Conditions:
Otitis media, susceptibility to (OMS). Also called: COME/ROM; OTITIS MEDIA, CHRONIC/RECURRENT. Identifiers: MedGen C1833692, MONDO:0008162, OMIM 166760.

Allele frequency attached by ClinVar (database versions not stated): gnomAD exomes 0.00029; ExAC 0.00031; 1000 Genomes Project 0.00060; ESP Exome Variant Server 0.00074; 1000 Genomes Project 30x 0.00094; gnomAD 0.00118 and 0.00123; TOPMed 0.00133.
gnomAD v4.1: 340 of 1,612,614 alleles (0.021%); highest among the groups gnomAD compares: African/African-American, 0.41%; 2 homozygotes.

Submissions (3):

Labcorp Genetics (formerly Invitae), Labcorp
Classification: Benign. Last evaluated: 2026-01-19. Review status: criteria provided, single submitter. Criteria: Invitae Variant Classification Sherloc (09022015). Collection method: clinical testing. Allele origin: germline.

Fulgent Genetics
Classification: Benign for Otitis media, susceptibility to. Last evaluated: 2022-02-18. Review status: criteria provided, single submitter. Criteria: ACMG Guidelines, 2015. Collection method: clinical testing. Allele origin: unknown.

Women's Health and Genetics/Laboratory Corporation of America, LabCorp
Classification: Benign. Last evaluated: 2019-09-25. Review status: criteria provided, single submitter. Criteria: LabCorp Variant Classification Summary - May 2015. Collection method: clinical testing. Allele origin: germline.
Comment: Variant summary: A2ML1 c.2463+13G>C alters a non-conserved nucleotide located close to a canonical splice site and therefore could affect mRNA splicing, leading to a significantly altered protein sequence. 5/5 computational tools predict no significant impact on normal splicing. However, these predictions have yet to be confirmed by functional studies. The variant allele was found at a frequency of 0.00029 in 249224 control chromosomes. The observed variant frequency is approximately 72.22 fold of the estimated maximal expected allele frequency for a pathogenic variant in A2ML1 causing Noonan Syndrome phenotype (4e-06), strongly suggesting that the variant is benign. To our knowledge, no occurrence of c.2463+13G>C in individuals affected with Noonan Syndrome and no experimental evidence demonstrating its impact on protein function have been reported. No clinical diagnostic laboratories have submitted clinical-significance assessments for this variant to ClinVar after 2014. Based on the evidence outlined above, the variant was classified as benign.